The following is an entry in ClinVar:

NM_201596.3(CACNB2):c.517A>G (p.Ile173Val)

Gene: CACNB2 (calcium voltage-gated channel auxiliary subunit beta 2; plus strand). Cytogenetic location: 10p12.31.
Variant type: single nucleotide variant.
Coding change: c.517A>G on transcript NM_201596.3 (MANE Select); coding-DNA position 517, A replaced by G.
Protein change: p.Ile173Val; replaces isoleucine 173 with valine.
Molecular consequence: missense variant.
Genome position (GRCh38, 1-based): chr10:18,500,872, A>G. VCF-style: chr10-18500872-A-G. GRCh37 (hg19) VCF-style: chr10-18789801-A-G.
Other names: c.352A>G, p.Ile118Val (NM_000724.4, NM_001330060.2); c.433A>G, p.Ile145Val (NM_001167945.2, NM_201571.4, NM_201572.4); c.373A>G, p.Ile125Val (NM_001410882.1, NM_201570.3); c.355A>G, p.Ile119Val (NM_201590.3); c.517A>G, p.Ile173Val (NM_201593.3, NM_201597.3); short protein forms I125V, I118V, I119V, I145V, I173V.
Identifiers: ClinVar variation 1732671 (VCV001732671.2), dbSNP rs2494363496, ClinGen allele CA376057784.

ClinVar aggregate classification (germline): Uncertain significance (1 of 4 stars; one submission).

Conditions:
Cardiovascular phenotype. Identifiers: MedGen CN230736.

Submission:

Ambry Genetics
Classification: Uncertain significance for Cardiovascular phenotype. Last evaluated: 2022-03-09. Review status: criteria provided, single submitter. Criteria: Ambry Variant Classification Scheme 2023. Collection method: clinical testing. Allele origin: germline.
Comment: The p.I119V variant (also known as c.355A>G), located in coding exon 4 of the CACNB2 gene, results from an A to G substitution at nucleotide position 355. The isoleucine at codon 119 is replaced by valine, an amino acid with highly similar properties. This amino acid position is conserved. In addition, the in silico prediction for this alteration is inconclusive. Since supporting evidence is limited at this time, the clinical significance of this alteration remains unclear.